The following is an entry in ClinVar:

NM_003742.4(ABCB11):c.2611-2A>T

Genes: ABCB11 (ATP binding cassette subfamily B member 11; minus strand), LOC126806400 (CDK7 strongly-dependent group 2 enhancer GRCh37_chr2:169791870-169793069; plus strand). Cytogenetic location: 2q31.1.
Variant type: single nucleotide variant.
Coding change: c.2611-2A>T on transcript NM_003742.4 (MANE Select); the canonical splice acceptor site of the intron before coding-DNA position 2611, A replaced by T.
Molecular consequence: splice acceptor variant.
Genome position (GRCh38, 1-based): chr2:168,936,435, T>A on the plus strand (A>T on the coding strand, the complement: ABCB11 is on the minus strand). VCF-style: chr2-168936435-T-A. GRCh37 (hg19) VCF-style: chr2-169792945-T-A.
Other names: NM_003742.4:c.2611-2A>T.
Identifiers: ClinVar variation 3776849 (VCV003776849.2).

ClinVar aggregate classification (germline): Conflicting classifications of pathogenicity. Review status: criteria provided, conflicting classifications (1 of 4 stars). 2 submissions from 2 submitters: Pathogenic (1); Uncertain significance (1). Last evaluated 2026-04-14.

Conditions:
Progressive familial intrahepatic cholestasis type 2. Identifiers: Orphanet 79304, MedGen C3489789, MONDO:0011156, OMIM 601847.
Familial intrahepatic cholestasis. Identifiers: Orphanet 284385, MedGen CN296401, MONDO:0017290.

gnomAD v4.1: 2 of 1,613,774 alleles (0.00012%); highest among the groups gnomAD compares: South Asian, 0.0022%; no homozygotes.

Submissions (2):

Genomenon, Inc
Classification: Pathogenic for Familial intrahepatic cholestasis. Last evaluated: 2026-04-14. Review status: criteria provided, single submitter. Criteria: Genomenon Sequence Variant Interpretation Standards - Updated. Collection method: curation. Allele origin: germline. Affected: yes.
Comment: ABCB11 c.2611-2A>T is a canonical splice variant affecting the acceptor splice site of intron 21. It is predicted to affect mRNA splicing, leading to a deleterious effect on the ABCB11 protein. This variant has been observed in at least one proband with an ABCB11-related disorder (PMID:39143102;29316097;18395098;24627769). At least one splicing study has demonstrated that this variant results in aberrant splicing (PMID:39143102). It is absent or not present at a significant frequency in gnomAD. In conclusion, we classify ABCB11 c.2611-2A>T as a pathogenic variant.

Broad Center for Mendelian Genomics, Broad Institute of MIT and Harvard
Classification: Uncertain significance for Progressive familial intrahepatic cholestasis type 2. Last evaluated: 2025-01-24. Review status: criteria provided, single submitter. Criteria: ACMG Guidelines, 2015. Collection method: curation. Allele origin: germline. Inheritance: Autosomal recessive inheritance.
Comment: The c.2611-2A>T variant in ABCB11 has been reported in at least three individuals with BSEP deficiency (PMID: 18395098, 24627769, 29316097,:10.33612:diss.133430251), and has been identified in 0.002% (2/91058) of South Asian chromosomes by the Genome Aggregation Database (gnomAD; dbSNP rs761669474). Although this variant has been seen in the general population in a heterozygous state, its frequency is low enough to be consistent with a recessive carrier frequency. Of the 3 affected individuals, one of those was a homozygote, which increases the likelihood that the c.2611-2A>T variant is pathogenic (PMID: 18395098). This variant is located in the 5' splice region. Computational tools predict a splicing impact, though this information is not predictive enough to determine pathogenicity. This variant is adjacent to an in-frame exon and is more likely to escape nonsense mediated decay (NMD) and result in a truncated protein. Loss of function of the ABCB11 gene is an established disease mechanism in autosomal recessive BSEP deficiency. In summary, while there is some suspicion for a pathogenic role, the clinical significance of this variant is uncertain. ACMG/AMP Criteria applied: PM3, PVS1_moderate, PM2_supporting (Richards 2015).

Literature cited by the submitters: PubMed 39143102 (cited by Genomenon, Inc); PubMed 29316097 (cited by Genomenon, Inc); PubMed 18395098 (cited by Genomenon, Inc); PubMed 24627769 (cited by Genomenon, Inc).